The following is an entry in ClinVar:

NM_001035.3(RYR2):c.10051G>A (p.Ala3351Thr)

Gene: RYR2 (ryanodine receptor 2; plus strand). Cytogenetic location: 1q43.
Variant type: single nucleotide variant.
Coding change: c.10051G>A on transcript NM_001035.3 (MANE Select); coding-DNA position 10051, G replaced by A.
Protein change: p.Ala3351Thr; replaces alanine 3351 with threonine.
Molecular consequence: missense variant.
Genome position (GRCh38, 1-based): chr1:237,709,007, G>A. VCF-style: chr1-237709007-G-A. GRCh37 (hg19) VCF-style: chr1-237872307-G-A.
Other names: c.10051G>A, p.Ala3351Thr (LRG_402t1); short protein forms A3351T.
Identifiers: ClinVar variation 392081 (VCV000392081.4), dbSNP rs1057524349, ClinGen allele CA063312.

ClinVar aggregate classification (germline): Uncertain significance. Review status: criteria provided, multiple submitters, no conflicts (2 of 4 stars). 2 submissions from 2 submitters: Uncertain significance (2). Last evaluated 2025-07-18.

Conditions:
Catecholaminergic polymorphic ventricular tachycardia 1. Also called: RYR2-Related Catecholaminergic Polymorphic Ventricular Tachycardia; VENTRICULAR TACHYCARDIA, CATECHOLAMINERGIC POLYMORPHIC, 1, WITH OR WITHOUT ATRIAL DYSFUNCTION AND/OR DILATED CARDIOMYOPATHY; VENTRICULAR TACHYCARDIA, STRESS-INDUCED POLYMORPHIC 1. Identifiers: Orphanet 3286, MedGen C1631597, MONDO:0011484, OMIM 604772.

Allele frequency attached by ClinVar (database versions not stated): gnomAD exomes below 0.00001.
gnomAD v4.1: 1 of 1,613,612 alleles (0.000062%); highest among the groups gnomAD compares: Non-Finnish European, 0.000085%; no homozygotes.

Submissions (2):

Labcorp Genetics (formerly Invitae), Labcorp
Classification: Uncertain significance for Catecholaminergic polymorphic ventricular tachycardia 1. Last evaluated: 2025-07-18. Review status: criteria provided, single submitter. Criteria: Invitae Variant Classification Sherloc (09022015). Collection method: clinical testing. Allele origin: germline.
Comment: This sequence change replaces alanine, which is neutral and non-polar, with threonine, which is neutral and polar, at codon 3351 of the RYR2 protein (p.Ala3351Thr). This variant is not present in population databases (gnomAD no frequency). This variant has not been reported in the literature in individuals affected with RYR2-related conditions. ClinVar contains an entry for this variant (Variation ID: 392081). Invitae Evidence Modeling of protein sequence and biophysical properties (such as structural, functional, and spatial information, amino acid conservation, physicochemical variation, residue mobility, and thermodynamic stability) indicates that this missense variant is not expected to disrupt RYR2 protein function with a negative predictive value of 95%. In summary, the available evidence is currently insufficient to determine the role of this variant in disease. Therefore, it has been classified as a Variant of Uncertain Significance.

GeneDx
Classification: Uncertain significance. Last evaluated: 2016-12-21. Review status: criteria provided, single submitter. Criteria: GeneDx Variant Classification (06012015). Collection method: clinical testing. Allele origin: germline. Affected: yes.
Comment: A variant of uncertain significance has been identified in the RYR2 gene. The A3351T variant has not been published as a pathogenic variant, nor has it been reported as a benign variant to our knowledge. This variant was not observed in approximately 6,100 individuals of European and African American ancestry in the NHLBI Exome Sequencing Project, indicating it is not a common benign variant in these populations. The A3351T variant is a non-conservative amino acid substitution, which is likely to impact secondary protein structure as these residues differ in polarity, charge, size and/or other properties. Additionally, this substitution occurs at a position that is conserved in mammals. However, Threonine is the wild-type residue at this position in multiple non-mammalian species and in silico analysis is inconsistent in its predictions as to whether or not the variant is damaging to the protein structure/function. Furthermore, A3351T is not located in one of the three hot-spot regions of the RYR2 gene, where the majority of pathogenic missense variants occur (Medeiros-Domingo et al., 2009).Therefore, based on the currently available information, it is unclear whether this variant is pathogenic or rare benign.